The following is an entry in ClinVar:

NM_002335.4(LRP5):c.1985C>T (p.Thr662Ile)

Gene: LRP5 (LDL receptor related protein 5; plus strand). Cytogenetic location: 11q13.2.
Variant type: single nucleotide variant.
Coding change: c.1985C>T on transcript NM_002335.4 (MANE Select); coding-DNA position 1985, C replaced by T.
Protein change: p.Thr662Ile; replaces threonine 662 with isoleucine.
Molecular consequence: missense variant.
Genome position (GRCh38, 1-based): chr11:68,406,707, C>T. VCF-style: chr11-68406707-C-T. GRCh37 (hg19) VCF-style: chr11-68174175-C-T.
Other names: c.242C>T, p.Thr81Ile (NM_001291902.2); short protein forms T662I, T81I.
Identifiers: ClinVar variation 1951646 (VCV001951646.5), dbSNP rs1443529052, ClinGen allele CA381615711.

ClinVar aggregate classification (germline): Uncertain significance (1 of 4 stars; one submission).

Allele frequency attached by ClinVar (database versions not stated): gnomAD 0.00002.
gnomAD v4.1: 30 of 1,614,070 alleles (0.0019%); highest among the groups gnomAD compares: East Asian, 0.065%; no homozygotes.

Submission:

Labcorp Genetics (formerly Invitae), Labcorp
Classification: Uncertain significance. Last evaluated: 2025-06-11. Review status: criteria provided, single submitter. Criteria: Invitae Variant Classification Sherloc (09022015). Collection method: clinical testing. Allele origin: germline.
Comment: This sequence change replaces threonine, which is neutral and polar, with isoleucine, which is neutral and non-polar, at codon 662 of the LRP5 protein (p.Thr662Ile). This variant is present in population databases (no rsID available, gnomAD 0.006%). This variant has not been reported in the literature in individuals affected with LRP5-related conditions. ClinVar contains an entry for this variant (Variation ID: 1951646). Invitae Evidence Modeling of protein sequence and biophysical properties (such as structural, functional, and spatial information, amino acid conservation, physicochemical variation, residue mobility, and thermodynamic stability) indicates that this missense variant is not expected to disrupt LRP5 protein function with a negative predictive value of 95%. In summary, the available evidence is currently insufficient to determine the role of this variant in disease. Therefore, it has been classified as a Variant of Uncertain Significance.